The following is an entry in ClinVar:

NM_018646.6(TRPV6):c.282dup (p.Asp95fs)

Gene: TRPV6 (transient receptor potential cation channel subfamily V member 6; minus strand). Cytogenetic location: 7q34.
Variant type: Duplication.
Coding change: c.282dup on transcript NM_018646.6 (MANE Select); coding-DNA position 282, one base duplicated (A; older notation c.282dupA).
Protein change: p.Asp95fs; shifts the reading frame from aspartic acid 95.
Molecular consequence: frameshift variant.
Genome position (GRCh38, 1-based): chr7:142,877,993, T duplicated on the plus strand (A on the coding strand, the reverse complement: TRPV6 is on the minus strand); the first of 3 consecutive T bases (chr7:142,877,993-142,877,995); duplicating any one gives the same sequence. VCF-style (leftmost placement, unchanged base first): chr7-142877992-C-CT. GRCh37 (hg19) VCF-style: chr7-142575745-C-CT.
Other names: short protein forms D95fs.
Identifiers: ClinVar variation 4732474 (VCV004732474.1).

ClinVar aggregate classification (germline): Pathogenic (1 of 4 stars; one submission).

Submission:

Labcorp Genetics (formerly Invitae), Labcorp
Classification: Pathogenic. Last evaluated: 2025-12-03. Review status: criteria provided, single submitter. Criteria: Invitae Variant Classification Sherloc (09022015). Collection method: clinical testing. Allele origin: germline.
Comment: This sequence change creates a premature translational stop signal (p.Asp95Argfs*2) in the TRPV6 gene. It is expected to result in an absent or disrupted protein product. Loss-of-function variants in TRPV6 are known to be pathogenic (PMID: 29861107, 30144375). This variant is not present in population databases (gnomAD no frequency). This variant has not been reported in the literature in individuals affected with TRPV6-related conditions. For these reasons, this variant has been classified as Pathogenic.

Literature cited by the submitters: PubMed 29861107; PubMed 30144375.